The following is an entry in ClinVar:

ClinVar aggregate classification (somatic clinical impact): Tier I - Strong (1 of 4 stars; one submission).

Conditions:
Medulloblastoma WNT activated. Identifiers: MedGen C4331965, MONDO:0850196.

Submission:

Institute for Genomic Medicine (IGM) Clinical Laboratory, Nationwide Children's Hospital
Classification: Tier I - Strong for Medulloblastoma WNT activated. Assertion type: diagnostic. Clinical significance: supports diagnosis. Last evaluated: 2023-06-26. Review status: criteria provided, single submitter. Criteria: AMP/ASCO/CAP Guidelines, 2017. Collection method: clinical testing. Allele origin: somatic. Affected: yes.
Comment: Variant has Tier I (strong) clinical significance as a diagnostic inclusion criterion in medulloblastoma WNT activated, based on the following evidence: 1) Appears in one or more well-established professional guidelines (e.g., World Health Organization [WHO]; National Comprehensive Cancer Network [NCCN]) as providing diagnostic, prognostic, or therapeutic information. 2) Diagnostic for a specific tumor type/classification based on well-powered studies with expert-level consensus (Evidence Level B; PMIDs: 22832583, 22722829, 28726821, 22820256).

Literature cited by the submitters: PubMed 22832583; PubMed 22722829; PubMed 28726821; PubMed 22820256.

NM_001356.5(DDX3X):c.1486G>T (p.Val496Leu)

Gene: DDX3X (DEAD-box helicase 3 X-linked; plus strand). Cytogenetic location: Xp11.4.
Variant type: single nucleotide variant.
Coding change: c.1486G>T on transcript NM_001356.5 (MANE Select); coding-DNA position 1486, G replaced by T.
Protein change: p.Val496Leu; replaces valine 496 with leucine.
Molecular consequence: missense variant. On other transcripts: non-coding transcript variant (1).
Genome position (GRCh38, 1-based): chrX:41,346,399, G>T. VCF-style: chrX-41346399-G-T. GRCh37 (hg19) VCF-style: chrX-41205652-G-T.
Other names: c.1486G>T, p.Val496Leu (NM_001193416.3); c.1438G>T, p.Val480Leu (NM_001193417.3); c.928G>T, p.Val310Leu (NM_001363819.1); short protein forms V310L, V480L, V496L.
Identifiers: ClinVar variation 4530070 (VCV004530070.1).